The following is an entry in ClinVar:

ClinVar aggregate classification (germline): Uncertain significance. Review status: criteria provided, multiple submitters, no conflicts (2 of 4 stars). 2 submissions from 2 submitters: Uncertain significance (2). Last evaluated 2025-11-15.

Conditions:
Neuroblastoma, susceptibility to, 3. Also called: ALK-Related Neuroblastic Tumor Susceptibility. Identifiers: Orphanet 635, MedGen C2751681, MONDO:0013083, OMIM 613014.
Hereditary cancer-predisposing syndrome. Also called: Hereditary Cancer Syndrome; Hereditary neoplastic syndrome; Neoplastic Syndromes, Hereditary; Tumor predisposition. Identifiers: Orphanet 140162, MedGen C0027672, MeSH D009386, MONDO:0015356.

Submissions (2):

Labcorp Genetics (formerly Invitae), Labcorp
Classification: Uncertain significance for Neuroblastoma, susceptibility to, 3. Last evaluated: 2025-11-15. Review status: criteria provided, single submitter. Criteria: Invitae Variant Classification Sherloc (09022015). Collection method: clinical testing. Allele origin: germline.
Comment: This sequence change replaces alanine, which is neutral and non-polar, with aspartic acid, which is acidic and polar, at codon 371 of the ALK protein (p.Ala371Asp). This variant is not present in population databases (gnomAD no frequency). This variant has not been reported in the literature in individuals affected with ALK-related conditions. ClinVar contains an entry for this variant (Variation ID: 2870565). An algorithm developed to predict the effect of missense changes on protein structure and function (PolyPhen-2) suggests that this variant is likely to be tolerated. In summary, the available evidence is currently insufficient to determine the role of this variant in disease. Therefore, it has been classified as a Variant of Uncertain Significance.

Ambry Genetics
Classification: Uncertain significance for Hereditary cancer-predisposing syndrome. Last evaluated: 2024-06-07. Review status: criteria provided, single submitter. Criteria: Ambry Variant Classification Scheme 2023. Collection method: clinical testing. Allele origin: germline.
Comment: The p.A371D variant (also known as c.1112C>A), located in coding exon 4 of the ALK gene, results from a C to A substitution at nucleotide position 1112. The alanine at codon 371 is replaced by aspartic acid, an amino acid with dissimilar properties. This amino acid position is conserved. In addition, this alteration is predicted to be tolerated by in silico analysis. Based on the available evidence, the clinical significance of this variant remains unclear.

NM_004304.5(ALK):c.1112C>A (p.Ala371Asp)

Gene: ALK (ALK receptor tyrosine kinase; minus strand). Cytogenetic location: 2p23.2.
Variant type: single nucleotide variant.
Coding change: c.1112C>A on transcript NM_004304.5 (MANE Select); coding-DNA position 1112, C replaced by A.
Protein change: p.Ala371Asp; replaces alanine 371 with aspartic acid.
Molecular consequence: missense variant.
Genome position (GRCh38, 1-based): chr2:29,531,957, G>T on the plus strand (C>A on the coding strand, the complement: ALK is on the minus strand). VCF-style: chr2-29531957-G-T. GRCh37 (hg19) VCF-style: chr2-29754823-G-T.
Other names: c.1112C>A (NM_004304.4); short protein forms A371D.
Identifiers: ClinVar variation 2870565 (VCV002870565.4), dbSNP rs1673130758, ClinGen allele CA346587249.